The following is an entry in ClinVar:

ClinVar aggregate classification (germline): Likely pathogenic (1 of 4 stars; one submission).

Submission:

Labcorp Genetics (formerly Invitae), Labcorp
Classification: Likely pathogenic. Last evaluated: 2023-05-08. Review status: criteria provided, single submitter. Criteria: Invitae Variant Classification Sherloc (09022015). Collection method: clinical testing. Allele origin: germline.
Comment: In summary, the currently available evidence indicates that the variant is pathogenic, but additional data are needed to prove that conclusively. Therefore, this variant has been classified as Likely Pathogenic. Algorithms developed to predict the effect of sequence changes on RNA splicing suggest that this variant may disrupt the consensus splice site. ClinVar contains an entry for this variant (Variation ID: 473649). This variant has not been reported in the literature in individuals affected with POLE-related conditions. This variant is not present in population databases (gnomAD no frequency). This sequence change affects an acceptor splice site in intron 32 of the POLE gene. It is expected to disrupt RNA splicing. Variants that disrupt the donor or acceptor splice site typically lead to a loss of protein function (PMID: 16199547), and loss-of-function variants in POLE are known to be pathogenic (PMID: 23230001, 25948378, 30503519).

Literature cited by the submitters: PubMed 16199547; PubMed 23230001; PubMed 25948378; PubMed 30503519.

NM_006231.4(POLE):c.4150-1G>C

Gene: POLE (DNA polymerase epsilon, catalytic subunit; minus strand). Cytogenetic location: 12q24.33.
Variant type: single nucleotide variant.
Coding change: c.4150-1G>C on transcript NM_006231.4 (MANE Select); the canonical splice acceptor site of the intron before coding-DNA position 4150, G replaced by C.
Molecular consequence: splice acceptor variant.
Genome position (GRCh38, 1-based): chr12:132,643,978, C>G on the plus strand (G>C on the coding strand, the complement: POLE is on the minus strand). VCF-style: chr12-132643978-C-G. GRCh37 (hg19) VCF-style: chr12-133220564-C-G.
Identifiers: ClinVar variation 473649 (VCV000473649.11), dbSNP rs1372928198, ClinGen allele CA387382572.